The following is an entry in ClinVar:

NM_001113378.2(FANCI):c.2098G>A (p.Glu700Lys)

Gene: FANCI (FA complementation group I; plus strand). Cytogenetic location: 15q26.1.
Variant type: single nucleotide variant.
Coding change: c.2098G>A on transcript NM_001113378.2 (MANE Select); coding-DNA position 2098, G replaced by A.
Protein change: p.Glu700Lys; replaces glutamic acid 700 with lysine.
Molecular consequence: missense variant.
Genome position (GRCh38, 1-based): chr15:89,292,793, G>A. VCF-style: chr15-89292793-G-A. GRCh37 (hg19) VCF-style: chr15-89836024-G-A.
Other names: c.1819G>A, p.Glu607Lys (NM_001376910.1); c.2098G>A, p.Glu700Lys (NM_001376911.1, NM_018193.3); short protein forms E700K, E607K.
Identifiers: ClinVar variation 582027 (VCV000582027.10), dbSNP rs199615501, ClinGen allele CA7723280.

ClinVar aggregate classification (germline): Uncertain significance. Review status: criteria provided, multiple submitters, no conflicts (2 of 4 stars). 2 submissions from 2 submitters: Uncertain significance (2). Last evaluated 2025-07-21.

Conditions:
FANCI-related disorder. Also called: FANCI-related condition.
Fanconi anemia (FA). Also called: Fanconi's anemia. Identifiers: Orphanet 84, MedGen C0015625, MeSH D005199, MONDO:0019391.

Allele frequency attached by ClinVar (database versions not stated): ExAC 0.00001; gnomAD 0.00001.
gnomAD v4.1: 23 of 1,613,942 alleles (0.0014%); highest among the groups gnomAD compares: Middle Eastern, 0.016%; no homozygotes.

Submissions (2):

Labcorp Genetics (formerly Invitae), Labcorp
Classification: Uncertain significance for Fanconi anemia. Last evaluated: 2025-07-21. Review status: criteria provided, single submitter. Criteria: Invitae Variant Classification Sherloc (09022015). Collection method: clinical testing. Allele origin: germline.
Comment: This sequence change replaces glutamic acid, which is acidic and polar, with lysine, which is basic and polar, at codon 700 of the FANCI protein (p.Glu700Lys). This variant is present in population databases (rs199615501, gnomAD 0.01%). This variant has not been reported in the literature in individuals affected with FANCI-related conditions. ClinVar contains an entry for this variant (Variation ID: 582027). Invitae Evidence Modeling of protein sequence and biophysical properties (such as structural, functional, and spatial information, amino acid conservation, physicochemical variation, residue mobility, and thermodynamic stability) indicates that this missense variant is not expected to disrupt FANCI protein function with a negative predictive value of 80%. In summary, the available evidence is currently insufficient to determine the role of this variant in disease. Therefore, it has been classified as a Variant of Uncertain Significance.

PreventionGenetics, part of Exact Sciences
Classification: Uncertain significance for FANCI-related condition. Last evaluated: 2024-12-27. Review status: criteria provided, single submitter. Criteria: ACMG Guidelines, 2015. Collection method: clinical testing. Allele origin: germline.
Comment: The FANCI c.2098G>A variant is predicted to result in the amino acid substitution p.Glu700Lys. To our knowledge, this variant has not been reported in the literature. This variant is reported in 0.0099% of alleles in individuals of Ashkenazi Jewish descent in gnomAD. At this time, the clinical significance of this variant is uncertain due to the absence of conclusive functional and genetic evidence.